The following is an entry in ClinVar:

ClinVar aggregate classification (germline): Benign/Likely benign. Review status: criteria provided, multiple submitters, no conflicts (2 of 4 stars). 13 submissions from 13 submitters: Benign (10); Likely benign (1). 2 of the submissions do not count toward it. Last evaluated 2026-02-02.

Conditions:
Focal segmental glomerulosclerosis 5 (FSGS5). Identifiers: Orphanet 656, MedGen C2750475, MONDO:0013191, OMIM 613237.
Charcot-Marie-Tooth disease dominant intermediate E. Also called: CHARCOT-MARIE-TOOTH NEUROPATHY WITH FOCAL SEGMENTAL GLOMERULONEPHRITIS. Identifiers: Orphanet 93114, MedGen C4302667, MONDO:0013758, OMIM 614455.
Focal segmental glomerulosclerosis (FSGS). Also called: Glomerulosclerosis, focal; Focal sclerosis with hyalinosis. Identifiers: MedGen C0017668, MONDO:0100313, HP:0000097. Disease mechanism: loss of function.

Allele frequency attached by ClinVar (database versions not stated): ESP Exome Variant Server 0.00935; TOPMed 0.00954; gnomAD 0.01185 and 0.01317; gnomAD exomes 0.01536 and 0.01930; 1000 Genomes Project 30x 0.01827; 1000 Genomes Project 0.01937; ExAC 0.03077.
gnomAD v4.1: 24,085 of 1,589,492 alleles (1.5%); highest among the groups gnomAD compares: South Asian, 4%; 296 homozygotes.

Submissions (13):

Labcorp Genetics (formerly Invitae), Labcorp
Classification: Benign for Charcot-Marie-Tooth disease dominant intermediate E; Focal segmental glomerulosclerosis 5. Last evaluated: 2026-02-02. Review status: criteria provided, single submitter. Criteria: Invitae Variant Classification Sherloc (09022015). Collection method: clinical testing. Allele origin: germline.

ARUP Laboratories, Molecular Genetics and Genomics, ARUP Laboratories
Classification: Benign. Last evaluated: 2025-04-28. Review status: criteria provided, single submitter. Criteria: ARUP Molecular Germline Variant Investigation Process 2024. Collection method: clinical testing. Allele origin: germline.

Blueprint Genetics
Classification: Likely benign. Last evaluated: 2024-11-27. Review status: criteria provided, single submitter. Criteria: ACMG Guidelines, 2015. Collection method: clinical testing. Allele origin: germline.

Mayo Clinic Laboratories, Mayo Clinic
Classification: Benign. Last evaluated: 2023-10-24. Review status: criteria provided, single submitter. Criteria: ACMG Guidelines, 2015. Collection method: clinical testing. Allele origin: germline. Observed: 76 variant alleles.
Comment: BS1, BS2, BP4, BP7

Fulgent Genetics
Classification: Benign for Focal segmental glomerulosclerosis 5; Charcot-Marie-Tooth disease dominant intermediate E. Last evaluated: 2021-10-27. Review status: criteria provided, single submitter. Criteria: ACMG Guidelines, 2015. Collection method: clinical testing. Allele origin: unknown.

Genome Diagnostics Laboratory, The Hospital for Sick Children
Classification: Benign for Focal segmental glomerulosclerosis. Last evaluated: 2021-05-04. Review status: criteria provided, single submitter. Criteria: ACMG Guidelines, 2015. Collection method: clinical testing. Allele origin: germline.

Illumina Laboratory Services, Illumina
Classification: Benign for Focal segmental glomerulosclerosis 5. Last evaluated: 2018-01-13. Review status: criteria provided, single submitter. Criteria: ICSL Variant Classification Criteria 13 December 2019. Collection method: clinical testing. Allele origin: germline.
Comment: This variant was observed in the ICSL laboratory as part of a predisposition screen in an ostensibly healthy population. It had not been previously curated by ICSL or reported in the Human Gene Mutation Database (HGMD: prior to June 1st, 2018), and was therefore a candidate for classification through an automated scoring system. Utilizing variant allele frequency, disease prevalence and penetrance estimates, and inheritance mode, an automated score was calculated to assess if this variant is too frequent to cause the disease. Based on the score and internal cut-off values, a variant classified as benign is not then subjected to further curation. The score for this variant resulted in a classification of benign for this disease.

Athena Diagnostics
Classification: Benign. Last evaluated: 2017-09-27. Review status: criteria provided, single submitter. Criteria: Athena Diagnostics Criteria. Collection method: clinical testing. Allele origin: germline.

GeneDx
Classification: Benign. Last evaluated: 2016-01-22. Review status: criteria provided, single submitter. Criteria: GeneDx Variant Classification (06012015). Collection method: clinical testing. Allele origin: germline. Affected: yes.
Comment: This variant is considered likely benign or benign based on one or more of the following criteria: it is a conservative change, it occurs at a poorly conserved position in the protein, it is predicted to be benign by multiple in silico algorithms, and/or has population frequency not consistent with disease.

Breakthrough Genomics
Classification: Benign. Review status: criteria provided, single submitter. Criteria: ACMG Guidelines, 2015. Collection method: not provided. Allele origin: germline. Inheritance: Autosomal dominant inheritance. Affected: yes.

PreventionGenetics, part of Exact Sciences
Classification: Benign. Review status: criteria provided, single submitter. Criteria: ACMG Guidelines, 2015. Collection method: clinical testing. Allele origin: germline.

Clinical Genetics, Academic Medical Center
Classification: Benign. Review status: no assertion criteria provided. Collection method: clinical testing. Allele origin: germline. Affected: yes. Study: VKGL Data-share Consensus. Not counted in ClinVar's aggregate classification.

Genome Diagnostics Laboratory, University Medical Center Utrecht
Classification: Benign. Review status: no assertion criteria provided. Collection method: clinical testing. Allele origin: germline. Affected: yes. Study: VKGL Data-share Consensus. Not counted in ClinVar's aggregate classification.

NM_022489.4(INF2):c.3153C>T (p.Asp1051=)

Gene: INF2 (inverted formin 2; plus strand). Cytogenetic location: 14q32.33.
Variant type: single nucleotide variant.
Coding change: c.3153C>T on transcript NM_022489.4 (MANE Select); coding-DNA position 3153, C replaced by T.
Protein change: p.Asp1051=; no amino-acid change (aspartic acid 1051 retained).
Molecular consequence: synonymous variant.
Genome position (GRCh38, 1-based): chr14:104,714,315, C>T. VCF-style: chr14-104714315-C-T. GRCh37 (hg19) VCF-style: chr14-105180652-C-T.
Other names: p.Asp1051=; c.3153C>T, p.Asp1051= (NM_001031714.4).
Identifiers: ClinVar variation 261616 (VCV000261616.36), dbSNP rs117457867, ClinGen allele CA7373191.